The following is an entry in ClinVar:

ClinVar aggregate classification (germline): Uncertain significance (1 of 4 stars; one submission).

Allele frequency attached by ClinVar (database versions not stated): TOPMed 0.00001.
gnomAD v4.1: 27 of 1,613,816 alleles (0.0017%); highest among the groups gnomAD compares: African/African-American, 0.0027%; no homozygotes.

Submission:

Labcorp Genetics (formerly Invitae), Labcorp
Classification: Uncertain significance. Last evaluated: 2023-10-22. Review status: criteria provided, single submitter. Criteria: Invitae Variant Classification Sherloc (09022015). Collection method: clinical testing. Allele origin: germline.
Comment: This sequence change replaces methionine, which is neutral and non-polar, with valine, which is neutral and non-polar, at codon 5 of the COX6B1 protein (p.Met5Val). This variant is not present in population databases (gnomAD no frequency). This variant has not been reported in the literature in individuals affected with COX6B1-related conditions. An algorithm developed to predict the effect of missense changes on protein structure and function (PolyPhen-2) suggests that this variant¬¨‚Ä†is likely to be tolerated. In summary, the available evidence is currently insufficient to determine the role of this variant in disease. Therefore, it has been classified as a Variant of Uncertain Significance.

NM_001863.5(COX6B1):c.13A>G (p.Met5Val)

Gene: COX6B1 (cytochrome c oxidase subunit 6B1; plus strand). Cytogenetic location: 19q13.12.
Variant type: single nucleotide variant.
Coding change: c.13A>G on transcript NM_001863.5 (MANE Select); coding-DNA position 13, A replaced by G.
Protein change: p.Met5Val; replaces methionine 5 with valine.
Molecular consequence: missense variant.
Genome position (GRCh38, 1-based): chr19:35,651,256, A>G. VCF-style: chr19-35651256-A-G. GRCh37 (hg19) VCF-style: chr19-36142158-A-G.
Other names: short protein forms M5V.
Identifiers: ClinVar variation 2891041 (VCV002891041.2), dbSNP rs373850890, ClinGen allele CA307777435.